The following is an entry in ClinVar:

NM_020937.4(FANCM):c.1226T>C (p.Phe409Ser)

Gene: FANCM (FA complementation group M; plus strand). Cytogenetic location: 14q21.2.
Variant type: single nucleotide variant.
Coding change: c.1226T>C on transcript NM_020937.4 (MANE Select); coding-DNA position 1226, T replaced by C.
Protein change: p.Phe409Ser; replaces phenylalanine 409 with serine.
Molecular consequence: missense variant.
Genome position (GRCh38, 1-based): chr14:45,154,739, T>C. VCF-style: chr14-45154739-T-C. GRCh37 (hg19) VCF-style: chr14-45623942-T-C.
Other names: c.1148T>C, p.Phe383Ser (NM_001308133.2); c.1226T>C, p.Phe409Ser (NM_001308134.2); short protein forms F383S, F409S.
Identifiers: ClinVar variation 4619458 (VCV004619458.1).

ClinVar aggregate classification (germline): Uncertain significance (1 of 4 stars; one submission).

Conditions:
Inborn genetic diseases. Identifiers: MedGen C0950123, MeSH D030342.

gnomAD v4.1: 2 of 1,603,444 alleles (0.00012%); highest among the groups gnomAD compares: African/African-American, 0.0027%; no homozygotes.

Submission:

Ambry Genetics
Classification: Uncertain significance for Inborn genetic diseases. Last evaluated: 2025-09-29. Review status: criteria provided, single submitter. Criteria: Ambry Variant Classification Scheme 2023. Collection method: clinical testing. Allele origin: germline.
Comment: The p.F409S variant (also known as c.1226T>C), located in coding exon 7 of the FANCM gene, results from a T to C substitution at nucleotide position 1226. The phenylalanine at codon 409 is replaced by serine, an amino acid with highly dissimilar properties. This amino acid position is conserved. In addition, the in silico prediction for this alteration is inconclusive. Based on the available evidence, the clinical significance of this variant remains unclear.